The following is an entry in ClinVar:

ClinVar aggregate classification (germline): Uncertain significance (1 of 4 stars; one submission).

Conditions:
Arthrogryposis, distal, type 1A. Also called: ARTHROGRYPOSIS MULTIPLEX CONGENITA, DISTAL, TYPE I. Identifiers: Orphanet 1146, MedGen C6022280, MONDO:0007157, OMIM 108120.

Submission:

Labcorp Genetics (formerly Invitae), Labcorp
Classification: Uncertain significance for Arthrogryposis, distal, type 1A. Last evaluated: 2021-10-12. Review status: criteria provided, single submitter. Criteria: Invitae Variant Classification Sherloc (09022015). Collection method: clinical testing. Allele origin: germline.
Comment: In summary, the available evidence is currently insufficient to determine the role of this variant in disease. Therefore, it has been classified as a Variant of Uncertain Significance. Algorithms developed to predict the effect of missense changes on protein structure and function are either unavailable or do not agree on the potential impact of this missense change (SIFT: "Deleterious"; PolyPhen-2: "Benign"; Align-GVGD: "Class C35"). This variant has not been reported in the literature in individuals affected with TPM2-related conditions. This variant is not present in population databases (ExAC no frequency). This sequence change replaces glutamic acid with aspartic acid at codon 115 of the TPM2 protein (p.Glu115Asp). The glutamic acid residue is highly conserved and there is a small physicochemical difference between glutamic acid and aspartic acid.

NM_003289.4(TPM2):c.345G>C (p.Glu115Asp)

Gene: TPM2 (tropomyosin 2; minus strand). Cytogenetic location: 9p13.3.
Variant type: single nucleotide variant.
Coding change: c.345G>C on transcript NM_003289.4 (MANE Select); coding-DNA position 345, G replaced by C.
Protein change: p.Glu115Asp; replaces glutamic acid 115 with aspartic acid.
Molecular consequence: missense variant.
Genome position (GRCh38, 1-based): chr9:35,685,676, C>G on the plus strand (G>C on the coding strand, the complement: TPM2 is on the minus strand). VCF-style: chr9-35685676-C-G. GRCh37 (hg19) VCF-style: chr9-35685673-C-G.
Other names: c.345G>C, p.Glu115Asp (NM_001301226.2, NM_001301227.2, NM_213674.1); short protein forms E115D.
Identifiers: ClinVar variation 1496489 (VCV001496489.6), dbSNP rs2131853306, ClinGen allele CA373368077.